The following is an entry in ClinVar:

NM_001184.4(ATR):c.3797C>G (p.Ala1266Gly)

Gene: ATR (ATR checkpoint kinase; minus strand). Cytogenetic location: 3q23.
Variant type: single nucleotide variant.
Coding change: c.3797C>G on transcript NM_001184.4 (MANE Select); coding-DNA position 3797, C replaced by G.
Protein change: p.Ala1266Gly; replaces alanine 1266 with glycine.
Molecular consequence: missense variant.
Genome position (GRCh38, 1-based): chr3:142,536,130, G>C on the plus strand (C>G on the coding strand, the complement: ATR is on the minus strand). VCF-style: chr3-142536130-G-C. GRCh37 (hg19) VCF-style: chr3-142254972-G-C.
Other names: c.3605C>G, p.Ala1202Gly (NM_001354579.2); short protein forms A1266G, A1202G.
Identifiers: ClinVar variation 2453542 (VCV002453542.2), dbSNP rs1260359422, ClinGen allele CA354806673.
Genomic context (GRCh38, chr3:142,536,130, plus strand): 5'-TTAATGATCTCCTAAACCACAAATTAAAAATTAAATACCTTTCTGTATTCCTGGAGAACG[G>C]CTTTTATCTTTTTTAATTCTGGATGATCAGGTAAAAAATATATTTCATGAAGAAAATCTT-3'
Protein context (NP_001175.2, residues 1256-1276): PDHPELKKIK[Ala1266Gly]VLQEYRKETS

ClinVar aggregate classification (germline): Uncertain significance (1 of 4 stars; one submission).

Conditions:
Inborn genetic diseases. Identifiers: MedGen C0950123, MeSH D030342.

Submission:

Ambry Genetics
Classification: Uncertain significance for Inborn genetic diseases. Last evaluated: 2022-12-04. Review status: criteria provided, single submitter. Criteria: Ambry Variant Classification Scheme 2023. Collection method: clinical testing. Allele origin: germline.
Comment: The p.A1266G variant (also known as c.3797C>G), located in coding exon 20 of the ATR gene, results from a C to G substitution at nucleotide position 3797. The alanine at codon 1266 is replaced by glycine, an amino acid with similar properties. This amino acid position is conserved. In addition, this alteration is predicted to be tolerated by in silico analysis. Since supporting evidence is limited at this time, the clinical significance of this alteration remains unclear.